The following is an entry in ClinVar:

NM_000260.4(MYO7A):c.2542C>T (p.Arg848Trp)

Gene: MYO7A (myosin VIIA; plus strand). Cytogenetic location: 11q13.5.
Variant type: single nucleotide variant.
Coding change: c.2542C>T on transcript NM_000260.4 (MANE Select); coding-DNA position 2542, C replaced by T.
Protein change: p.Arg848Trp; replaces arginine 848 with tryptophan.
Molecular consequence: missense variant.
Genome position (GRCh38, 1-based): chr11:77,179,909, C>T. VCF-style: chr11-77179909-C-T. GRCh37 (hg19) VCF-style: chr11-76890955-C-T.
Other names: c.2542C>T, p.Arg848Trp (NM_001127180.2); c.2509C>T, p.Arg837Trp (NM_001369365.1); c.2542C>T (NM_000260.3); short protein forms R837W, R848W.
Identifiers: ClinVar variation 2150510 (VCV002150510.10), dbSNP rs1426313451, ClinGen allele CA381941960.

ClinVar aggregate classification (germline): Conflicting classifications of pathogenicity. Review status: criteria provided, conflicting classifications (1 of 4 stars). 5 submissions from 5 submitters: Pathogenic (1); Likely pathogenic (1); Uncertain significance (3). Last evaluated 2026-06-16.

Conditions:
MYO7A-related disorder. Also called: MYO7A-related disorders.
Usher syndrome. Also called: Usher's syndrome; Usher Syndromes. Identifiers: Orphanet 886, MedGen CN469326, MeSH D052245, MONDO:0019501. Disease mechanism: loss of function.

Allele frequency attached by ClinVar (database versions not stated): gnomAD 0.00007; TOPMed 0.00008.
gnomAD v4.1: 32 of 1,536,920 alleles (0.0021%); highest among the groups gnomAD compares: African/African-American, 0.022%; no homozygotes.

Submissions (5):

GeneDx
Classification: Uncertain significance. Last evaluated: 2026-06-16. Review status: criteria provided, single submitter. Criteria: GeneDx Variant Classification Process June 2021. Collection method: clinical testing. Allele origin: germline.
Comment: Identified in a patients with inherited retinal disease in published literature, however, additional genotype and phenotype information is not available (PMID: 36460718); In silico analysis supports that this missense variant has a deleterious effect on protein structure/function; This variant is associated with the following publications: (PMID: 36460718, 36011402, 33623043)

Labcorp Genetics (formerly Invitae), Labcorp
Classification: Pathogenic. Last evaluated: 2026-01-14. Review status: criteria provided, single submitter. Criteria: Invitae Variant Classification Sherloc (09022015). Collection method: clinical testing. Allele origin: germline.
Comment: This sequence change replaces arginine, which is basic and polar, with tryptophan, which is neutral and slightly polar, at codon 848 of the MYO7A protein (p.Arg848Trp). This variant is present in population databases (no rsID available, gnomAD 0.03%). This missense change has been observed in individual(s) with autosomal recessive MYO7A-related conditions (PMID: 33623043, 36011402, 36460718; internal data). ClinVar contains an entry for this variant (Variation ID: 2150510). Invitae Evidence Modeling of protein sequence and biophysical properties (such as structural, functional, and spatial information, amino acid conservation, physicochemical variation, residue mobility, and thermodynamic stability) indicates that this missense variant is expected to disrupt MYO7A protein function with a positive predictive value of 95%. For these reasons, this variant has been classified as Pathogenic.

Women's Health and Genetics/Laboratory Corporation of America, LabCorp
Classification: Likely pathogenic for Usher syndrome. Last evaluated: 2025-08-15. Review status: criteria provided, single submitter. Criteria: LabCorp Variant Classification Summary - May 2015. Collection method: clinical testing. Allele origin: germline.
Comment: Variant summary: MYO7A c.2542C>T (p.Arg848Trp) results in a non-conservative amino acid change in the encoded protein sequence. Algorithms developed to predict the effect of missense changes on protein structure and function all suggest that this variant is likely to be disruptive. The variant allele was found at a frequency of 2.2e-05 in 136846 control chromosomes. c.2542C>T has been reported in the literature in individuals affected with Usher Syndrome and inherited retinal dystrophies (Iancu_2021, Griffith_2022, Karali_2022, internal data). These data indicate that the variant may be associated with disease. To our knowledge, no experimental evidence demonstrating an impact on protein function has been reported. The following publications have been ascertained in the context of this evaluation (PMID: 33623043, 36460718, 36011402). ClinVar contains an entry for this variant (Variation ID: 2150510). Based on the evidence outlined above, the variant was classified as likely pathogenic.

PreventionGenetics, part of Exact Sciences
Classification: Uncertain significance for MYO7A-related condition. Last evaluated: 2025-03-31. Review status: criteria provided, single submitter. Criteria: ACMG Guidelines, 2015. Collection method: clinical testing. Allele origin: germline.
Comment: The MYO7A c.2542C>T variant is predicted to result in the amino acid substitution p.Arg848Trp. This variant was reported in an individual with Retinal disease, however information whether sencond variant was detected was not provided (Table S1, Karali et al. 2022. PubMed ID: 36460718). This variant was also reported together with MYO7A pathogenic variant in an individual with Usher syndrome (Table S1, Griffith et al. 2022. PubMed ID: 36011402). This variant is reported in 0.032% of alleles in individuals of African descent in gnomAD. Although we suspect that this variant may be pathogenic, at this time, the clinical significance of this variant is uncertain due to the absence of conclusive functional and genetic evidence.

Blueprint Genetics
Classification: Uncertain significance. Last evaluated: 2017-10-12. Review status: criteria provided, single submitter. Criteria: ACMG Guidelines, 2015. Collection method: clinical testing. Allele origin: germline.

Literature cited by the submitters: PubMed 33623043 (cited by Labcorp Genetics (formerly Invitae), Labcorp and Women's Health and Genetics/Laboratory Corporation of America, LabCorp); PubMed 36011402 (cited by Labcorp Genetics (formerly Invitae), Labcorp and Women's Health and Genetics/Laboratory Corporation of America, LabCorp); PubMed 36460718 (cited by Labcorp Genetics (formerly Invitae), Labcorp and Women's Health and Genetics/Laboratory Corporation of America, LabCorp).